The following is an entry in ClinVar:

ClinVar aggregate classification (germline): Uncertain significance. Review status: criteria provided, multiple submitters, no conflicts (2 of 4 stars). 3 submissions from 3 submitters: Uncertain significance (3). Last evaluated 2025-09-25.

Conditions:
Cardiovascular phenotype. Identifiers: MedGen CN230736.
Dilated cardiomyopathy 1JJ (CMD1JJ). Identifiers: Orphanet 154, MedGen C3808935, MONDO:0014095, OMIM 615235.

Allele frequency attached by ClinVar (database versions not stated): gnomAD exomes below 0.00001 and 0.00002; ExAC 0.00001; TOPMed 0.00001.
gnomAD v4.1: 26 of 1,614,024 alleles (0.0016%); highest among the groups gnomAD compares: Non-Finnish European, 0.0022%; no homozygotes.

Submissions (3):

Labcorp Genetics (formerly Invitae), Labcorp
Classification: Uncertain significance for Dilated cardiomyopathy 1JJ. Last evaluated: 2025-09-25. Review status: criteria provided, single submitter. Criteria: Invitae Variant Classification Sherloc (09022015). Collection method: clinical testing. Allele origin: germline.
Comment: This sequence change replaces aspartic acid, which is acidic and polar, with glycine, which is neutral and non-polar, at codon 369 of the LAMA4 protein (p.Asp369Gly). This variant is present in population databases (rs782061102, gnomAD 0.0009%). This variant has not been reported in the literature in individuals affected with LAMA4-related conditions. ClinVar contains an entry for this variant (Variation ID: 848578). Invitae Evidence Modeling of protein sequence and biophysical properties (such as structural, functional, and spatial information, amino acid conservation, physicochemical variation, residue mobility, and thermodynamic stability) indicates that this missense variant is not expected to disrupt LAMA4 protein function with a negative predictive value of 80%. In summary, the available evidence is currently insufficient to determine the role of this variant in disease. Therefore, it has been classified as a Variant of Uncertain Significance.

Ambry Genetics
Classification: Uncertain significance for Cardiovascular phenotype. Last evaluated: 2024-11-15. Review status: criteria provided, single submitter. Criteria: Ambry Variant Classification Scheme 2023. Collection method: clinical testing. Allele origin: germline.

GeneDx
Classification: Uncertain significance. Last evaluated: 2019-07-11. Review status: criteria provided, single submitter. Criteria: GeneDx Variant Classification Process June 2021. Collection method: clinical testing. Allele origin: germline. Affected: yes.
Comment: Has not been previously published as pathogenic or benign to our knowledge; Not observed at a significant frequency in large population cohorts (Lek et al., 2016); In silico analysis, which includes protein predictors and evolutionary conservation, supports a deleterious effect

NM_001105206.3(LAMA4):c.1127A>G (p.Asp376Gly)

Gene: LAMA4 (laminin subunit alpha 4; minus strand). Cytogenetic location: 6q21.
Variant type: single nucleotide variant.
Coding change: c.1127A>G on transcript NM_001105206.3 (MANE Select); coding-DNA position 1127, A replaced by G.
Protein change: p.Asp376Gly; replaces aspartic acid 376 with glycine.
Molecular consequence: missense variant.
Genome position (GRCh38, 1-based): chr6:112,178,183, T>C on the plus strand (A>G on the coding strand, the complement: LAMA4 is on the minus strand). VCF-style: chr6-112178183-T-C. GRCh37 (hg19) VCF-style: chr6-112499385-T-C.
Other names: c.1106A>G, p.Asp369Gly (NM_001105207.3, NM_002290.5); short protein forms D369G, D376G.
Identifiers: ClinVar variation 848578 (VCV000848578.14), dbSNP rs782061102, ClinGen allele CA3965856.